The following is an entry in ClinVar:

NM_020975.6(RET):c.667G>A (p.Val223Met)

Gene: RET (ret proto-oncogene; plus strand). Cytogenetic location: 10q11.21.
Variant type: single nucleotide variant.
Coding change: c.667G>A on transcript NM_020975.6 (MANE Select); coding-DNA position 667, G replaced by A.
Protein change: p.Val223Met; replaces valine 223 with methionine.
Molecular consequence: missense variant.
Genome position (GRCh38, 1-based): chr10:43,104,993, G>A. VCF-style: chr10-43104993-G-A. GRCh37 (hg19) VCF-style: chr10-43600441-G-A.
Other names: c.667G>A, p.Val223Met (NM_000323.2, NM_001406743.1, NM_001406744.1 and 8 more transcripts); c.-96G>A (NM_001355216.2); c.538G>A, p.Val180Met (NM_001406761.1, NM_001406762.1, NM_001406764.1 and 2 more transcripts); c.379G>A, p.Val127Met (NM_001406766.1, NM_001406767.1, NM_001406770.1); short protein forms V223M, V180M, V127M.
Identifiers: ClinVar variation 136122 (VCV000136122.21), dbSNP rs587780815, ClinGen allele CA009308.

ClinVar aggregate classification (germline): Conflicting classifications of pathogenicity. Review status: criteria provided, conflicting classifications (1 of 4 stars). 9 submissions from 8 submitters: Uncertain significance (6); Likely benign (1). 2 of the submissions do not count toward it. Last evaluated 2025-11-27.

Conditions:
Pheochromocytoma. Also called: MAX-Related Hereditary Paraganglioma-Pheochromocytoma Syndrome. Identifiers: Orphanet 29072, MedGen C0031511, MONDO:0008233, OMIM 171300, HP:0002666.
Hirschsprung disease, susceptibility to, 1 (HSCR1). Also called: RET-Related Hirschsprung Disease. Identifiers: Orphanet 388, MedGen C3888239, MONDO:0007723, OMIM 142623.
Familial medullary thyroid carcinoma (MTC). Also called: Thyroid cancer, familial medullary; MTC, familial; Familial Medullary Thyroid Carcinoma (FMTC). Identifiers: Orphanet 653, Orphanet 99361, MedGen C1833921, MONDO:0007958, OMIM 155240.
Multiple endocrine neoplasia type 2B. Also called: MEN IIB; NEUROMATA, MUCOSAL, WITH ENDOCRINE TUMORS; WAGENMANN-FROBOESE SYNDROME; MULTIPLE ENDOCRINE NEOPLASIA, TYPE III; MULTIPLE ENDOCRINE NEOPLASIA, TYPE IIB; MEN 2B. Identifiers: Orphanet 247709, Orphanet 653, MedGen C0025269, MeSH D018814, MONDO:0008082, OMIM 162300.
Multiple endocrine neoplasia type 2A. Also called: Multiple Endocrine Neoplasia Type 2A (MEN2A); MULTIPLE ENDOCRINE NEOPLASIA, TYPE IIA; PTC SYNDROME; SIPPLE SYNDROME; MEN 2A; MEN-2A syndrome. Identifiers: Orphanet 247698, Orphanet 653, MedGen C0025268, MeSH D018813, MONDO:0008234, OMIM 171400.
Hereditary cancer-predisposing syndrome. Also called: Tumor predisposition; Hereditary neoplastic syndrome; Hereditary Cancer Syndrome; Neoplastic Syndromes, Hereditary. Identifiers: Orphanet 140162, MedGen C0027672, MeSH D009386, MONDO:0015356.
Multiple endocrine neoplasia, type 2 (MEN2). Identifiers: Orphanet 653, MedGen C4048306, MONDO:0019003. Disease mechanism: gain of function.

Allele frequency attached by ClinVar (database versions not stated): TOPMed below 0.00001; gnomAD 0.00002 and 0.00001; ExAC 0.00002; gnomAD exomes 0.00002 and 0.00003.
gnomAD v4.1: 29 of 1,586,738 alleles (0.0018%); highest among the groups gnomAD compares: South Asian, 0.025%; no homozygotes.

Submissions (9):

Labcorp Genetics (formerly Invitae), Labcorp
Classification: Uncertain significance for Multiple endocrine neoplasia, type 2. Last evaluated: 2025-11-27. Review status: criteria provided, single submitter. Criteria: Invitae Variant Classification Sherloc (09022015). Collection method: clinical testing. Allele origin: germline.
Comment: This sequence change replaces valine, which is neutral and non-polar, with methionine, which is neutral and non-polar, at codon 223 of the RET protein (p.Val223Met). This variant is present in population databases (rs587780815, gnomAD 0.01%). This missense change has been observed in individual(s) with bilateral renal hypodysplasia (PMID: 24429398). ClinVar contains an entry for this variant (Variation ID: 136122). An algorithm developed to predict the effect of missense changes on protein structure and function (PolyPhen-2) suggests that this variant is likely to be disruptive. In summary, the available evidence is currently insufficient to determine the role of this variant in disease. Therefore, it has been classified as a Variant of Uncertain Significance.

All of Us Research Program, National Institutes of Health
Classification: Uncertain significance for Multiple endocrine neoplasia, type 2. Last evaluated: 2024-05-09. Review status: criteria provided, single submitter. Criteria: ACMG Guidelines, 2015. Collection method: clinical testing. Allele origin: germline. Inheritance: Autosomal dominant inheritance. Observed: 5 variant alleles, 5 heterozygotes.
Comment: This missense variant replaces valine with methionine at codon 223 of the RET protein. Computational prediction suggests that this variant may have deleterious impact on protein structure and function (internally defined REVEL score threshold >= 0.7, PMID: 27666373). To our knowledge, functional studies have not been reported for this variant. This variant has not been reported in individuals affected with RET-related disorders in the literature. This variant has been identified in 6/208214 chromosomes in the general population by the Genome Aggregation Database (gnomAD). The available evidence is insufficient to determine the role of this variant in disease conclusively. Therefore, this variant is classified as a Variant of Uncertain Significance.

This study involves interpretation of variants in research participants for the purpose of population health screening. Participant phenotype was not available at the time of variant classification. Additional details can be found in publication PMID: 35346344, PMCID: PMC8962531

Fulgent Genetics
Classification: Uncertain significance for Hirschsprung disease, susceptibility to, 1; Familial medullary thyroid carcinoma; Multiple endocrine neoplasia type 2B; Pheochromocytoma; Multiple endocrine neoplasia type 2A. Last evaluated: 2024-02-07. Review status: criteria provided, single submitter. Criteria: ACMG Guidelines, 2015. Collection method: clinical testing. Allele origin: germline.

Ambry Genetics
Classification: Likely benign for Hereditary cancer-predisposing syndrome. Last evaluated: 2023-07-28. Review status: criteria provided, single submitter. Criteria: Ambry Variant Classification Scheme 2023. Collection method: clinical testing. Allele origin: germline.

Color Diagnostics, LLC DBA Color Health
Classification: Uncertain significance for Multiple endocrine neoplasia, type 2. Last evaluated: 2023-07-27. Review status: criteria provided, single submitter. Criteria: ACMG Guidelines, 2015. Collection method: clinical testing. Allele origin: germline.
Comment: This missense variant replaces valine with methionine at codon 223 of the RET protein. Computational prediction suggests that this variant may have deleterious impact on protein structure and function. To our knowledge, functional studies have not been reported for this variant. This variant has not been reported in individuals affected with RET-related disorders in the literature. This variant has been identified in 6/208214 chromosomes in the general population by the Genome Aggregation Database (gnomAD). The available evidence is insufficient to determine the role of this variant in disease conclusively. Therefore, this variant is classified as a Variant of Uncertain Significance.

Laboratorio de Genetica e Diagnostico Molecular, Hospital Israelita Albert Einstein
Classification: Uncertain significance. Last evaluated: 2021-09-03. Review status: criteria provided, single submitter. Criteria: ACMG Guidelines, 2015. Collection method: clinical testing. Allele origin: germline. Affected: yes.
Comment: ACMG classification criteria: PP3

Sema4
Classification: Uncertain significance for Hereditary cancer-predisposing syndrome. Last evaluated: 2021-06-22. Review status: criteria provided, single submitter. Criteria: Sema4 Curation Guidelines. Collection method: curation. Allele origin: germline.
Comment: The RET c.667G>A (p.V223M) variant has been reported in at least one individuals with bilateral renal hypodysplasia; growth retardation and skeletal anomalies (PMID: 24429398). This variant was observed in 5/27792 chromosomes in the South Asian (SAS) population, with no homozygotes, according to the Genome Aggregation Database (PMID: 32461654). This variant has been reported in ClinVar (Variation ID 136122). In silico tools suggest the impact of the variant on protein function is deleterious, though these predictions have not been confirmed by functional studies. The overall evidence is insufficient to meet ACMG/AMP criteria for classifying it as benign or pathogenic. In summary, the clinical significance of this variant is currently uncertain.

Counsyl
Classification: Uncertain significance for Multiple endocrine neoplasia type 2B. Last evaluated: 2016-05-03. Review status: no assertion criteria provided. Collection method: clinical testing. Allele origin: unknown. Not counted in ClinVar's aggregate classification.

Counsyl
Classification: Uncertain significance for Multiple endocrine neoplasia type 2A. Last evaluated: 2016-05-03. Review status: no assertion criteria provided. Collection method: clinical testing. Allele origin: unknown. Not counted in ClinVar's aggregate classification.

Literature cited by the submitters: PubMed 24429398 (cited by 3 submitters).